The following is an entry in ClinVar:

NM_014159.7(SETD2):c.1769T>C (p.Leu590Ser)

Gene: SETD2 (SET domain containing 2, histone lysine methyltransferase; minus strand). Cytogenetic location: 3p21.31.
Variant type: single nucleotide variant.
Coding change: c.1769T>C on transcript NM_014159.7 (MANE Select); coding-DNA position 1769, T replaced by C.
Protein change: p.Leu590Ser; replaces leucine 590 with serine.
Molecular consequence: missense variant. On other transcripts: non-coding transcript variant (1).
Genome position (GRCh38, 1-based): chr3:47,122,867, A>G on the plus strand (T>C on the coding strand, the complement: SETD2 is on the minus strand). VCF-style: chr3-47122867-A-G. GRCh37 (hg19) VCF-style: chr3-47164357-A-G.
Other names: c.1637T>C, p.Leu546Ser (NM_001349370.3); short protein forms L546S, L590S.
Identifiers: ClinVar variation 967019 (VCV000967019.7), dbSNP rs1258459428, ClinGen allele CA352529234.

ClinVar aggregate classification (germline): Uncertain significance. Review status: criteria provided, multiple submitters, no conflicts (2 of 4 stars). 2 submissions from 2 submitters: Uncertain significance (2). Last evaluated 2023-08-24.

Conditions:
Luscan-Lumish syndrome. Identifiers: Orphanet 597738, MedGen C4085873, MONDO:0014791, OMIM 616831.

Allele frequency attached by ClinVar (database versions not stated): gnomAD exomes below 0.00001.
gnomAD v4.1: 1 of 1,611,112 alleles (0.000062%); highest among the groups gnomAD compares: Admixed American, 0.0017%; no homozygotes.

Submissions (2):

Labcorp Genetics (formerly Invitae), Labcorp
Classification: Uncertain significance for Luscan-Lumish syndrome. Last evaluated: 2023-08-24. Review status: criteria provided, single submitter. Criteria: Invitae Variant Classification Sherloc (09022015). Collection method: clinical testing. Allele origin: germline.
Comment: This sequence change replaces leucine, which is neutral and non-polar, with serine, which is neutral and polar, at codon 590 of the SETD2 protein (p.Leu590Ser). This variant is present in population databases (no rsID available, gnomAD 0.003%). This variant has not been reported in the literature in individuals affected with SETD2-related conditions. ClinVar contains an entry for this variant (Variation ID: 967019). Advanced modeling of protein sequence and biophysical properties (such as structural, functional, and spatial information, amino acid conservation, physicochemical variation, residue mobility, and thermodynamic stability) performed at Invitae indicates that this missense variant is not expected to disrupt SETD2 protein function. In summary, the available evidence is currently insufficient to determine the role of this variant in disease. Therefore, it has been classified as a Variant of Uncertain Significance.

Breakthrough Genomics
Classification: Uncertain significance. Review status: criteria provided, single submitter. Criteria: ACMG Guidelines, 2015. Collection method: not provided. Allele origin: germline. Inheritance: Autosomal dominant inheritance. Affected: yes.